The following is an entry in ClinVar:

NM_014989.7(RIMS1):c.1534T>C (p.Ser512Pro)

Gene: RIMS1 (regulating synaptic membrane exocytosis 1; plus strand). Cytogenetic location: 6q13.
Variant type: single nucleotide variant.
Coding change: c.1534T>C on transcript NM_014989.7 (MANE Select); coding-DNA position 1534, T replaced by C.
Protein change: p.Ser512Pro; replaces serine 512 with proline.
Molecular consequence: missense variant.
Genome position (GRCh38, 1-based): chr6:72,183,005, T>C. VCF-style: chr6-72183005-T-C. GRCh37 (hg19) VCF-style: chr6-72892708-T-C.
Other names: short protein forms S512P.
Identifiers: ClinVar variation 942701 (VCV000942701.9), dbSNP rs773402330, ClinGen allele CA3885719.

ClinVar aggregate classification (germline): Uncertain significance (1 of 4 stars; one submission).

Allele frequency attached by ClinVar (database versions not stated): gnomAD exomes 0.00002; ExAC 0.00005.

Submission:

Labcorp Genetics (formerly Invitae), Labcorp
Classification: Uncertain significance. Last evaluated: 2022-10-04. Review status: criteria provided, single submitter. Criteria: Invitae Variant Classification Sherloc (09022015). Collection method: clinical testing. Allele origin: germline.
Comment: This sequence change replaces serine, which is neutral and polar, with proline, which is neutral and non-polar, at codon 512 of the RIMS1 protein (p.Ser512Pro). The frequency data for this variant in the population databases is considered unreliable, as metrics indicate poor data quality at this position in the gnomAD database. This variant has not been reported in the literature in individuals affected with RIMS1-related conditions. ClinVar contains an entry for this variant (Variation ID: 942701). Algorithms developed to predict the effect of missense changes on protein structure and function are either unavailable or do not agree on the potential impact of this missense change (SIFT: "Deleterious"; PolyPhen-2: "Benign"; Align-GVGD: "Class C0"). In summary, the available evidence is currently insufficient to determine the role of this variant in disease. Therefore, it has been classified as a Variant of Uncertain Significance.